The following is an entry in ClinVar:

NM_181836.6(TMED7):c.497C>A (p.Thr166Asn)

Genes: TICAM2-AS1 (TICAM2 antisense RNA 1; plus strand), TMED7 (transmembrane p24 trafficking protein 7; minus strand), TMED7-TICAM2 (TMED7-TICAM2 readthrough; minus strand). Cytogenetic location: 5q22.3.
Variant type: single nucleotide variant.
Coding change: c.497C>A on transcript NM_181836.6 (MANE Select); coding-DNA position 497, C replaced by A.
Protein change: p.Thr166Asn; replaces threonine 166 with asparagine.
Molecular consequence: missense variant.
Genome position (GRCh38, 1-based): chr5:115,616,387, G>T on the plus strand (C>A on the coding strand, the complement: TMED7 is on the minus strand). VCF-style: chr5-115616387-G-T. GRCh37 (hg19) VCF-style: chr5-114952084-G-T.
Other names: c.497C>A, p.Thr166Asn (NM_001164468.4, NM_001164469.4); short protein forms T166N.
Identifiers: ClinVar variation 2012165 (VCV002012165.4), dbSNP rs1384617903, ClinGen allele CA360713364.

ClinVar aggregate classification (germline): Uncertain significance (1 of 4 stars; one submission).

Submission:

Labcorp Genetics (formerly Invitae), Labcorp
Classification: Uncertain significance. Last evaluated: 2022-06-29. Review status: criteria provided, single submitter. Criteria: Invitae Variant Classification Sherloc (09022015). Collection method: clinical testing. Allele origin: germline.
Comment: This variant has not been reported in the literature in individuals affected with TMED7-related conditions. This variant is not present in population databases (gnomAD no frequency). This sequence change replaces threonine, which is neutral and polar, with asparagine, which is neutral and polar, at codon 166 of the TMED7 protein (p.Thr166Asn). Algorithms developed to predict the effect of missense changes on protein structure and function (SIFT, PolyPhen-2, Align-GVGD) all suggest that this variant is likely to be disruptive. In summary, the available evidence is currently insufficient to determine the role of this variant in disease. Therefore, it has been classified as a Variant of Uncertain Significance.